The following is an entry in ClinVar:

NM_198525.3(KIF7):c.2503C>T (p.Gln835Ter)

Gene: KIF7 (kinesin family member 7; minus strand). Cytogenetic location: 15q26.1.
Variant type: single nucleotide variant.
Coding change: c.2503C>T on transcript NM_198525.3 (MANE Select); coding-DNA position 2503, C replaced by T.
Protein change: p.Gln835Ter; replaces glutamine 835 with a stop codon.
Molecular consequence: nonsense.
Genome position (GRCh38, 1-based): chr15:89,633,775, G>A on the plus strand (C>T on the coding strand, the complement: KIF7 is on the minus strand). VCF-style: chr15-89633775-G-A. GRCh37 (hg19) VCF-style: chr15-90177006-G-A.
Other names: short protein forms Q835*.
Identifiers: ClinVar variation 620380 (VCV000620380.2), dbSNP rs1567060070, ClinGen allele CA393759779.

ClinVar aggregate classification (germline): Likely pathogenic (1 of 4 stars; one submission).

Submission:

GeneDx
Classification: Likely pathogenic. Last evaluated: 2019-10-01. Review status: criteria provided, single submitter. Criteria: GeneDx Variant Classification Process June 2021. Collection method: clinical testing. Allele origin: germline. Affected: yes.
Comment: Nonsense variant predicted to result in protein truncation or nonsense mediated decay in a gene for which loss-of-function is a known mechanism of disease; Not observed in large population cohorts (Lek et al., 2016); Has not been previously published as pathogenic or benign to our knowledge